The following is an entry in ClinVar:

ClinVar aggregate classification (germline): Uncertain significance (1 of 4 stars; one submission).

Allele frequency attached by ClinVar (database versions not stated): gnomAD exomes below 0.00001.
gnomAD v4.1: 3 of 1,614,144 alleles (0.00019%); highest among the groups gnomAD compares: Middle Eastern, 0.016%; no homozygotes.

Submission:

Labcorp Genetics (formerly Invitae), Labcorp
Classification: Uncertain significance. Last evaluated: 2022-02-08. Review status: criteria provided, single submitter. Criteria: Invitae Variant Classification Sherloc (09022015). Collection method: clinical testing. Allele origin: germline.
Comment: In summary, the available evidence is currently insufficient to determine the role of this variant in disease. Therefore, it has been classified as a Variant of Uncertain Significance. Algorithms developed to predict the effect of missense changes on protein structure and function are either unavailable or do not agree on the potential impact of this missense change (SIFT: "Deleterious"; PolyPhen-2: "Possibly Damaging"; Align-GVGD: "Class C0"). This variant has not been reported in the literature in individuals affected with FERMT1-related conditions. This variant is not present in population databases (gnomAD no frequency). This sequence change replaces valine, which is neutral and non-polar, with alanine, which is neutral and non-polar, at codon 47 of the FERMT1 protein (p.Val47Ala).

NM_017671.5(FERMT1):c.140T>C (p.Val47Ala)

Gene: FERMT1 (FERM domain containing kindlin 1; minus strand). Cytogenetic location: 20p12.3.
Variant type: single nucleotide variant.
Coding change: c.140T>C on transcript NM_017671.5 (MANE Select); coding-DNA position 140, T replaced by C.
Protein change: p.Val47Ala; replaces valine 47 with alanine.
Molecular consequence: missense variant.
Genome position (GRCh38, 1-based): chr20:6,119,415, A>G on the plus strand (T>C on the coding strand, the complement: FERMT1 is on the minus strand). VCF-style: chr20-6119415-A-G. GRCh37 (hg19) VCF-style: chr20-6100062-A-G.
Other names: short protein forms V47A.
Identifiers: ClinVar variation 1513056 (VCV001513056.8), dbSNP rs1568667079, ClinGen allele CA408194840.